The following is an entry in ClinVar:

ClinVar aggregate classification (germline): Uncertain significance (1 of 4 stars; one submission).

gnomAD v4.1: 2 of 1,612,812 alleles (0.00012%); highest among the groups gnomAD compares: Non-Finnish European, 0.00017%; no homozygotes.

Submission:

Labcorp Genetics (formerly Invitae), Labcorp
Classification: Uncertain significance. Last evaluated: 2024-04-17. Review status: criteria provided, single submitter. Criteria: Invitae Variant Classification Sherloc (09022015). Collection method: clinical testing. Allele origin: germline.
Comment: This sequence change falls in intron 33 of the CAD gene. It does not directly change the encoded amino acid sequence of the CAD protein. It affects a nucleotide within the consensus splice site. This variant is not present in population databases (gnomAD no frequency). This variant has not been reported in the literature in individuals affected with CAD-related conditions. ClinVar contains an entry for this variant (Variation ID: 1508620). Variants that disrupt the consensus splice site are a relatively common cause of aberrant splicing (PMID: 17576681, 9536098). Algorithms developed to predict the effect of sequence changes on RNA splicing suggest that this variant is not likely to affect RNA splicing. In summary, the available evidence is currently insufficient to determine the role of this variant in disease. Therefore, it has been classified as a Variant of Uncertain Significance.

Literature cited by the submitters: PubMed 17576681; PubMed 9536098.

NM_004341.5(CAD):c.5394+5G>T

Gene: CAD (carbamoyl-phosphate synthetase 2, aspartate transcarbamylase, and dihydroorotase; plus strand). Cytogenetic location: 2p23.3.
Variant type: single nucleotide variant.
Coding change: c.5394+5G>T on transcript NM_004341.5 (MANE Select); 5 bases into the intron after coding-DNA position 5394, G replaced by T.
Molecular consequence: intron variant.
Genome position (GRCh38, 1-based): chr2:27,239,476, G>T. VCF-style: chr2-27239476-G-T. GRCh37 (hg19) VCF-style: chr2-27462344-G-T.
Other names: c.5205+5G>T (NM_001306079.2).
Identifiers: ClinVar variation 1508620 (VCV001508620.6), dbSNP rs746332676, ClinGen allele CA531763698.